The following is an entry in ClinVar:

ClinVar aggregate classification (germline): Uncertain significance (1 of 4 stars; one submission).

Conditions:
Rafiq syndrome (RAFQS). Identifiers: Orphanet 88616, MedGen C3280127, MONDO:0013624, OMIM 614202.

Submission:

Labcorp Genetics (formerly Invitae), Labcorp
Classification: Uncertain significance for Rafiq syndrome. Last evaluated: 2022-08-15. Review status: criteria provided, single submitter. Criteria: Invitae Variant Classification Sherloc (09022015). Collection method: clinical testing. Allele origin: germline.
Comment: This sequence change replaces tyrosine, which is neutral and polar, with phenylalanine, which is neutral and non-polar, at codon 608 of the MAN1B1 protein (p.Tyr608Phe). This variant is not present in population databases (gnomAD no frequency). This variant has not been reported in the literature in individuals affected with MAN1B1-related conditions. Algorithms developed to predict the effect of missense changes on protein structure and function are either unavailable or do not agree on the potential impact of this missense change (SIFT: "Deleterious"; PolyPhen-2: "Probably Damaging"; Align-GVGD: "Class C0"). In summary, the available evidence is currently insufficient to determine the role of this variant in disease. Therefore, it has been classified as a Variant of Uncertain Significance.

NM_016219.5(MAN1B1):c.1823A>T (p.Tyr608Phe)

Gene: MAN1B1 (mannosidase alpha class 1B member 1; plus strand). Cytogenetic location: 9q34.3.
Variant type: single nucleotide variant.
Coding change: c.1823A>T on transcript NM_016219.5 (MANE Select); coding-DNA position 1823, A replaced by T.
Protein change: p.Tyr608Phe; replaces tyrosine 608 with phenylalanine.
Molecular consequence: missense variant. On other transcripts: non-coding transcript variant (2).
Genome position (GRCh38, 1-based): chr9:137,107,589, A>T. VCF-style: chr9-137107589-A-T. GRCh37 (hg19) VCF-style: chr9-140002041-A-T.
Other names: c.1715A>T, p.Tyr572Phe (NM_007230.1); short protein forms Y572F, Y608F.
Identifiers: ClinVar variation 2105004 (VCV002105004.4), dbSNP rs2538451037, ClinGen allele CA375708156.